The following is an entry in ClinVar:

NM_001025603.2(RFX5):c.826G>A (p.Gly276Arg)

Gene: RFX5 (regulatory factor X5; minus strand). Cytogenetic location: 1q21.3.
Variant type: single nucleotide variant.
Coding change: c.826G>A on transcript NM_001025603.2 (MANE Select); coding-DNA position 826, G replaced by A.
Protein change: p.Gly276Arg; replaces glycine 276 with arginine.
Molecular consequence: missense variant.
Genome position (GRCh38, 1-based): chr1:151,343,374, C>T on the plus strand (G>A on the coding strand, the complement: RFX5 is on the minus strand). VCF-style: chr1-151343374-C-T. GRCh37 (hg19) VCF-style: chr1-151315850-C-T.
Other names: c.826G>A, p.Gly276Arg (NM_000449.4, NM_001379412.1, NM_001379413.1 and 5 more transcripts); c.706G>A, p.Gly236Arg (NM_001379419.1, NM_001379420.1); short protein forms G236R, G276R.
Identifiers: ClinVar variation 1055406 (VCV001055406.9), dbSNP rs2102062601, ClinGen allele CA341935171.

ClinVar aggregate classification (germline): Uncertain significance (1 of 4 stars; one submission).

Conditions:
MHC class II deficiency. Also called: BLS, TYPE II; Bare lymphocyte syndrome 2. Identifiers: Orphanet 572, MedGen C5447452, MONDO:0008855.

Allele frequency attached by ClinVar (database versions not stated): gnomAD exomes below 0.00001.
gnomAD v4.1: 2 of 1,613,596 alleles (0.00012%); highest among the groups gnomAD compares: Non-Finnish European, 0.00017%; no homozygotes.

Submission:

Labcorp Genetics (formerly Invitae), Labcorp
Classification: Uncertain significance for MHC class II deficiency. Last evaluated: 2022-10-03. Review status: criteria provided, single submitter. Criteria: Invitae Variant Classification Sherloc (09022015). Collection method: clinical testing. Allele origin: germline.
Comment: This sequence change replaces glycine, which is neutral and non-polar, with arginine, which is basic and polar, at codon 276 of the RFX5 protein (p.Gly276Arg). This variant is not present in population databases (gnomAD no frequency). This variant has not been reported in the literature in individuals affected with RFX5-related conditions. ClinVar contains an entry for this variant (Variation ID: 1055406). Algorithms developed to predict the effect of missense changes on protein structure and function output the following: SIFT: "Tolerated"; PolyPhen-2: "Benign"; Align-GVGD: "Class C0". The arginine amino acid residue is found in multiple mammalian species, which suggests that this missense change does not adversely affect protein function. In summary, the available evidence is currently insufficient to determine the role of this variant in disease. Therefore, it has been classified as a Variant of Uncertain Significance.